The following is an entry in ClinVar:

NM_007194.4(CHEK2):c.1127G>A (p.Gly376Glu)

Gene: CHEK2 (checkpoint kinase 2; minus strand). Cytogenetic location: 22q12.1.
Variant type: single nucleotide variant.
Coding change: c.1127G>A on transcript NM_007194.4 (MANE Select); coding-DNA position 1127, G replaced by A.
Protein change: p.Gly376Glu; replaces glycine 376 with glutamic acid.
Molecular consequence: missense variant.
Genome position (GRCh38, 1-based): chr22:28,695,842, C>T on the plus strand (G>A on the coding strand, the complement: CHEK2 is on the minus strand). VCF-style: chr22-28695842-C-T. GRCh37 (hg19) VCF-style: chr22-29091830-C-T.
Other names: c.1256G>A, p.Gly419Glu (NM_001005735.3); c.464G>A, p.Gly155Glu (NM_001257387.3); c.926G>A, p.Gly309Glu (NM_001349956.3); c.1040G>A, p.Gly347Glu (NM_145862.3); short protein forms G309E, G155E, G347E, G376E, G419E.
Identifiers: ClinVar variation 644366 (VCV000644366.9), dbSNP rs1601723393, ClinGen allele CA411097042.
Genomic context (GRCh38, chr22:28,695,842, plus strand): 5'-AGAACTTCAGGCGCCAAGTAGGTGGGGGTTCCACATAAGGTTCTCATGAGAGAGGTCTCT[C>T]CCAAAATCTTGGAGTGCCCAAAATCAGTAATCTAAAATTCAGTACAAAAGGGAATAATGT-3'
Protein context (NP_009125.1, residues 366-386): ITDFGHSKIL[Gly376Glu]ETSLMRTLCG

ClinVar aggregate classification (germline): Uncertain significance (1 of 4 stars; one submission).

Conditions:
Familial cancer of breast. Also called: hereditary breast carcinoma; BREAST CANCER, FAMILIAL; Hereditary breast cancer. Identifiers: Orphanet 227535, MedGen C0346153, MONDO:0016419, OMIM 114480. Disease mechanism: loss of function.

Submission:

Labcorp Genetics (formerly Invitae), Labcorp
Classification: Uncertain significance for Familial cancer of breast. Last evaluated: 2018-12-06. Review status: criteria provided, single submitter. Criteria: Invitae Variant Classification Sherloc (09022015). Collection method: clinical testing. Allele origin: germline.
Comment: In summary, the available evidence is currently insufficient to determine the role of this variant in disease. Therefore, it has been classified as a Variant of Uncertain Significance. Algorithms developed to predict the effect of missense changes on protein structure and function are either unavailable or do not agree on the potential impact of this missense change (SIFT: "Deleterious"; PolyPhen-2: "Possibly Damaging"; Align-GVGD: "Class C0"). This variant has not been reported in the literature in individuals with CHEK2-related conditions. This variant is not present in population databases (ExAC no frequency). This sequence change replaces glycine with glutamic acid at codon 376 of the CHEK2 protein (p.Gly376Glu). The glycine residue is highly conserved and there is a moderate physicochemical difference between glycine and glutamic acid.